The following is an entry in ClinVar:

ClinVar aggregate classification (germline): Pathogenic. Review status: criteria provided, multiple submitters, no conflicts (2 of 4 stars). 4 submissions from 4 submitters: Pathogenic (4). Last evaluated 2026-04-21.

Conditions:
Osteogenesis imperfecta (OI). Identifiers: Orphanet 666, MedGen C0029434, MeSH D010013, MONDO:0019019.
Bruck syndrome. Identifiers: Orphanet 2771, MedGen C0432253, MONDO:0017195.

Allele frequency attached by ClinVar (database versions not stated): gnomAD exomes 0.00001 and below 0.00001; TOPMed 0.00001; ESP Exome Variant Server 0.00008; ExAC 0.00001.
gnomAD v4.1: 8 of 1,612,576 alleles (0.0005%); highest among the groups gnomAD compares: Non-Finnish European, 0.00059%; no homozygotes.

Submissions (4):

Women's Health and Genetics/Laboratory Corporation of America, LabCorp
Classification: Pathogenic for Osteogenesis imperfecta. Last evaluated: 2026-04-21. Review status: criteria provided, single submitter. Criteria: LabCorp Variant Classification Summary - May 2015. Collection method: clinical testing. Allele origin: germline.
Comment: Variant summary: FKBP10 c.391+1G>A is located in a canonical splice-site and is predicted to affect mRNA splicing resulting in a significantly altered protein due to either exon skipping, shortening, or inclusion of intronic material. Variants that disrupt the consensus splice site are a relatively common cause of aberrant splicing and loss of FKBP10 function. Several computational tools predict a significant impact on normal splicing: Four predict the variant abolishes a canonical 5' splicing donor site. However, these predictions have yet to be confirmed by functional studies. The variant allele was found at a frequency of 4e-06 in 248838 control chromosomes. c.391+1G>A has been observed in at least one compound heterozygous individual affected with Osteogenesis Imperfecta type 3 who carried a pathogenic variant in trans (example: Madhuri_2021). To our knowledge, no experimental evidence demonstrating an impact on protein function has been reported. The following publication has been ascertained in the context of this evaluation (PMID: 32770541). ClinVar contains an entry for this variant (Variation ID: 870118). Based on the evidence outlined above, the variant was classified as pathogenic.

GeneDx
Classification: Pathogenic. Last evaluated: 2025-06-05. Review status: criteria provided, single submitter. Criteria: GeneDx Variant Classification Process June 2021. Collection method: clinical testing. Allele origin: germline.
Comment: Canonical splice site variant predicted to result in a null allele in a gene for which loss of function is a known mechanism of disease; Not observed at significant frequency in large population cohorts (gnomAD); This variant is associated with the following publications: (PMID: 32770541)

Labcorp Genetics (formerly Invitae), Labcorp
Classification: Pathogenic. Last evaluated: 2024-03-26. Review status: criteria provided, single submitter. Criteria: Invitae Variant Classification Sherloc (09022015). Collection method: clinical testing. Allele origin: germline.
Comment: This sequence change affects a donor splice site in intron 2 of the FKBP10 gene. It is expected to disrupt RNA splicing. Variants that disrupt the donor or acceptor splice site typically lead to a loss of protein function (PMID: 16199547), and loss-of-function variants in FKBP10 are known to be pathogenic (PMID: 22689593, 22949511). The frequency data for this variant in the population databases is considered unreliable, as metrics indicate poor data quality at this position in the gnomAD database. Disruption of this splice site has been observed in individual(s) with osteogenesis imperfecta (PMID: 32770541). In at least one individual the data is consistent with being in trans (on the opposite chromosome) from a pathogenic variant. ClinVar contains an entry for this variant (Variation ID: 870118). Algorithms developed to predict the effect of sequence changes on RNA splicing suggest that this variant may disrupt the consensus splice site. For these reasons, this variant has been classified as Pathogenic.

Genetics Department, Polish Mother's Memorial Hospital Research Institute
Classification: Pathogenic for Bruck syndrome. Last evaluated: 2020-04-06. Review status: criteria provided, single submitter. Criteria: ACMG Guidelines, 2015. Collection method: research. Allele origin: unknown. Affected: yes. Observed: 1 variant allele.
Comment: Until now patient's parents were not available for clinical testing.

Literature cited by the submitters: PubMed 32770541 (cited by Women's Health and Genetics/Laboratory Corporation of America, LabCorp and Labcorp Genetics (formerly Invitae), Labcorp); PubMed 16199547 (cited by Labcorp Genetics (formerly Invitae), Labcorp); PubMed 22689593 (cited by Labcorp Genetics (formerly Invitae), Labcorp); PubMed 22949511 (cited by Labcorp Genetics (formerly Invitae), Labcorp).

NM_021939.4(FKBP10):c.391+1G>A

Gene: FKBP10 (FKBP prolyl isomerase 10; plus strand). Cytogenetic location: 17q21.2.
Variant type: single nucleotide variant.
Coding change: c.391+1G>A on transcript NM_021939.4 (MANE Select); the canonical splice donor site of the intron after coding-DNA position 391, G replaced by A.
Molecular consequence: splice donor variant.
Genome position (GRCh38, 1-based): chr17:41,817,204, G>A. VCF-style: chr17-41817204-G-A. GRCh37 (hg19) VCF-style: chr17-39973456-G-A.
Identifiers: ClinVar variation 870118 (VCV000870118.8), dbSNP rs141847881, ClinGen allele CA8566210.